The following is an entry in ClinVar:

ClinVar aggregate classification (germline): Uncertain significance (1 of 4 stars; one submission).

Conditions:
Hereditary cancer-predisposing syndrome. Also called: Neoplastic Syndromes, Hereditary; Tumor predisposition; Hereditary neoplastic syndrome; Hereditary Cancer Syndrome. Identifiers: Orphanet 140162, MedGen C0027672, MeSH D009386, MONDO:0015356.

Submission:

Ambry Genetics
Classification: Uncertain significance for Hereditary cancer-predisposing syndrome. Last evaluated: 2026-07-02. Review status: criteria provided, single submitter. Criteria: Ambry Variant Classification Scheme 2023. Collection method: clinical testing. Allele origin: germline.
Comment: The p.E1407A variant (also known as c.4220A>C), located in coding exon 10 of the BRCA2 gene, results from an A to C substitution at nucleotide position 4220. The glutamic acid at codon 1407 is replaced by alanine, an amino acid with dissimilar properties. This amino acid position is conserved. In addition, this alteration is predicted to be tolerated by in silico analysis. Based on the available evidence, the clinical significance of this variant remains unclear.

NM_000059.4(BRCA2):c.4220A>C (p.Glu1407Ala)

Gene: BRCA2 (BRCA2 DNA repair associated; plus strand). Cytogenetic location: 13q13.1.
Variant type: single nucleotide variant.
Coding change: c.4220A>C on transcript NM_000059.4 (MANE Select); coding-DNA position 4220, A replaced by C.
Protein change: p.Glu1407Ala; replaces glutamic acid 1407 with alanine.
Molecular consequence: missense variant. On other transcripts: non-coding transcript variant (1), intron variant (2).
Genome position (GRCh38, 1-based): chr13:32,338,575, A>C. VCF-style: chr13-32338575-A-C. GRCh37 (hg19) VCF-style: chr13-32912712-A-C.
Other names: c.4220A>C, p.Glu1407Ala (NM_001406719.1, NM_001406720.1, NM_001432077.1); c.1909+5188A>C (NM_001406721.1); c.425-5983A>C (NM_001406722.1); short protein forms E1407A.
Identifiers: ClinVar variation 5033261 (VCV005033261.1).